The following is an entry in ClinVar:

NM_020351.4(COL8A1):c.1228C>T (p.Pro410Ser)

Gene: COL8A1 (collagen type VIII alpha 1 chain; plus strand). Cytogenetic location: 3q12.1.
Variant type: single nucleotide variant.
Coding change: c.1228C>T on transcript NM_020351.4 (MANE Select); coding-DNA position 1228, C replaced by T.
Protein change: p.Pro410Ser; replaces proline 410 with serine.
Molecular consequence: missense variant.
Genome position (GRCh38, 1-based): chr3:99,795,129, C>T. VCF-style: chr3-99795129-C-T. GRCh37 (hg19) VCF-style: chr3-99513973-C-T.
Other names: c.1228C>T, p.Pro410Ser (NM_001850.5); short protein forms P410S.
Identifiers: ClinVar variation 3055600 (VCV003055600.2), dbSNP rs199818609, ClinGen allele CA2512975.

ClinVar aggregate classification (germline): Benign (0 of 4 stars; one submission).

Conditions:
COL8A1-related disorder. Also called: COL8A1-related condition.

Allele frequency attached by ClinVar (database versions not stated): gnomAD exomes 0.00015; gnomAD 0.00029; TOPMed 0.00052; ExAC 0.00067; 1000 Genomes Project 0.00120; 1000 Genomes Project 30x 0.00125.
gnomAD v4.1: 268 of 1,613,720 alleles (0.017%); highest among the groups gnomAD compares: East Asian, 0.55%; no homozygotes.

Submission:

PreventionGenetics, part of Exact Sciences
Classification: Benign for COL8A1-related condition. Last evaluated: 2019-08-09. Review status: no assertion criteria provided. Collection method: clinical testing. Allele origin: germline.
Comment: This variant is classified as benign based on ACMG/AMP sequence variant interpretation guidelines (Richards et al. 2015 PMID: 25741868, with internal and published modifications).